The following is an entry in ClinVar:

NM_002693.3(POLG):c.865A>G (p.Met289Val)

Gene: POLG (DNA polymerase gamma, catalytic subunit; minus strand). Cytogenetic location: 15q26.1.
Variant type: single nucleotide variant.
Coding change: c.865A>G on transcript NM_002693.3 (MANE Select); coding-DNA position 865, A replaced by G.
Protein change: p.Met289Val; replaces methionine 289 with valine.
Molecular consequence: missense variant.
Genome position (GRCh38, 1-based): chr15:89,329,101, T>C on the plus strand (A>G on the coding strand, the complement: POLG is on the minus strand). VCF-style: chr15-89329101-T-C. GRCh37 (hg19) VCF-style: chr15-89872332-T-C.
Other names: c.865A>G, p.Met289Val (NM_001126131.2); short protein forms M289V.
Identifiers: ClinVar variation 2056852 (VCV002056852.4), dbSNP rs2152068187, ClinGen allele CA393766173.

ClinVar aggregate classification (germline): Uncertain significance (1 of 4 stars; one submission).

Conditions:
Progressive sclerosing poliodystrophy (MTDPS4A). Also called: Mitochondrial DNA Depletion Syndrome 4A; Alpers-Huttenlocher Syndrome (AHS); ALPERS PROGRESSIVE INFANTILE POLIODYSTROPHY; NEURONAL DEGENERATION OF CHILDHOOD WITH LIVER DISEASE, PROGRESSIVE; Alpers Syndrome; ALPERS DIFFUSE DEGENERATION OF CEREBRAL GRAY MATTER WITH HEPATIC CIRRHOSIS. Identifiers: Orphanet 726, MedGen C0205710, MONDO:0008758, OMIM 203700.

Submission:

Labcorp Genetics (formerly Invitae), Labcorp
Classification: Uncertain significance for Progressive sclerosing poliodystrophy. Last evaluated: 2024-08-06. Review status: criteria provided, single submitter. Criteria: Invitae Variant Classification Sherloc (09022015). Collection method: clinical testing. Allele origin: germline.
Comment: This sequence change replaces methionine, which is neutral and non-polar, with valine, which is neutral and non-polar, at codon 289 of the POLG protein (p.Met289Val). This variant is not present in population databases (gnomAD no frequency). This variant has not been reported in the literature in individuals affected with POLG-related conditions. ClinVar contains an entry for this variant (Variation ID: 2056852). Advanced modeling of protein sequence and biophysical properties (such as structural, functional, and spatial information, amino acid conservation, physicochemical variation, residue mobility, and thermodynamic stability) performed at Invitae indicates that this missense variant is not expected to disrupt POLG protein function with a negative predictive value of 95%. In summary, the available evidence is currently insufficient to determine the role of this variant in disease. Therefore, it has been classified as a Variant of Uncertain Significance.